The following is an entry in ClinVar:

ClinVar aggregate classification (germline): Benign. Review status: reviewed by expert panel (3 of 4 stars). 4 submissions from 4 submitters: Benign (1). 3 of the submissions do not count toward it. Last evaluated 2026-01-28.

Conditions:
Pitt-Hopkins syndrome (PTHS). Also called: ENCEPHALOPATHY, SEVERE EPILEPTIC, WITH AUTONOMIC DYSFUNCTION; MENTAL RETARDATION, SYNDROMAL, WITH INTERMITTENT HYPERVENTILATION. Identifiers: Orphanet 2896, MedGen C1970431, MONDO:0012589, OMIM 610954.

Allele frequency attached by ClinVar (database versions not stated): gnomAD 0.00003; gnomAD exomes 0.00003 and 0.00006; ExAC 0.00004; TOPMed 0.00005; ESP Exome Variant Server 0.00015.
gnomAD v4.1: 58 of 1,613,556 alleles (0.0036%); highest among the groups gnomAD compares: East Asian, 0.027%; no homozygotes.

Submissions (4):

ClinGen Rett and Angelman-like Disorders Variant Curation Expert Panel
Classification: Benign for Pitt-Hopkins syndrome. Last evaluated: 2026-01-28. Review status: reviewed by expert panel. Criteria: ClinGen RettAS ACMG Specifications TCF4 V5.0.0. Collection method: curation. Allele origin: germline. Inheritance: Autosomal dominant inheritance.
Comment: The highest population minor allele frequency of the p.Ser371= variant in TCF4 in gnomAD v4.1 is 0.0006424 in the Ashkenazi Jewish population, which is higher than the ClinGen Rett and Angelman-like Disorders VCEP threshold (≥0.000083) for BA1, and therefore meets this criterion (BA1). The silent p.Ser371= variant is not predicted to affect splicing using multiple computational tools and does not affect a highly conserved nucleotide (BP7). The p.Ser371= variant is not currently published and is not present in additional databases (internal and publicly available), therefore, no additional criteria are applicable at this time. In summary, the p.Ser371= variant in TCF4 is classified as Benign based on the ACMG/AMP criteria (BA1, BP7). (TCF4 Specifications v.5.0; curation approved on 01/28/2026)

Labcorp Genetics (formerly Invitae), Labcorp
Classification: Likely benign for Pitt-Hopkins syndrome. Last evaluated: 2025-10-13. Review status: criteria provided, single submitter. Criteria: Invitae Variant Classification Sherloc (09022015). Collection method: clinical testing. Allele origin: germline. Not counted in ClinVar's aggregate classification.

Illumina Laboratory Services, Illumina
Classification: Uncertain significance for Pitt-Hopkins syndrome. Last evaluated: 2017-04-27. Review status: criteria provided, single submitter. Criteria: ICSL Variant Classification Criteria 13 December 2019. Collection method: clinical testing. Allele origin: germline. Not counted in ClinVar's aggregate classification.
Comment: This variant was observed as part of a predisposition screen in an ostensibly healthy population. A literature search was performed for the gene, cDNA change, and amino acid change (where applicable). Publications were found based on this search. However, the evidence from the literature, in combination with allele frequency data from public databases where available, was not sufficient to rule this variant in or out of causing disease. Therefore, this variant is classified as a variant of unknown significance.

Genetic Services Laboratory, University of Chicago
Classification: Likely benign. Last evaluated: 2016-06-24. Review status: criteria provided, single submitter. Criteria: ACMG Guidelines, 2015. Collection method: clinical testing. Allele origin: germline. Affected: no. Not counted in ClinVar's aggregate classification.

Literature cited by the submitters: PubMed 18992165 (cited by Illumina Laboratory Services, Illumina); PubMed 22045651 (cited by Illumina Laboratory Services, Illumina).

NM_001083962.2(TCF4):c.1113G>A (p.Ser371=)

Gene: TCF4 (transcription factor 4; minus strand). Cytogenetic location: 18q21.2.
Variant type: single nucleotide variant.
Coding change: c.1113G>A on transcript NM_001083962.2 (MANE Select); coding-DNA position 1113, G replaced by A.
Protein change: p.Ser371=; no amino-acid change (serine 371 retained).
Molecular consequence: synonymous variant.
Genome position (GRCh38, 1-based): chr18:55,257,348, C>T on the plus strand (G>A on the coding strand, the complement: TCF4 is on the minus strand). VCF-style: chr18-55257348-C-T. GRCh37 (hg19) VCF-style: chr18-52924579-C-T.
Other names: NM_001083962.2(TCF4):c.1113G>A; p.Ser371=; c.1419G>A, p.Ser473= (NM_001243226.3); c.1041G>A, p.Ser347= (NM_001243227.2, NM_001306207.1, NM_001348217.1 and 5 more transcripts); c.1131G>A, p.Ser377= (NM_001243228.2); c.1104G>A, p.Ser368= (NM_001243230.2); c.987G>A, p.Ser329= (NM_001243231.2, NM_001348211.2); c.900G>A, p.Ser300= (NM_001243232.1, NM_001306208.1); and 8 more.
Identifiers: ClinVar variation 436960 (VCV000436960.17), dbSNP rs148308964, ClinGen allele CA8970269.